The following is an entry in ClinVar:

NM_003060.4(SLC22A5):c.1552C>T (p.Pro518Ser)

Gene: SLC22A5 (solute carrier family 22 member 5; plus strand). Cytogenetic location: 5q31.1.
Variant type: single nucleotide variant.
Coding change: c.1552C>T on transcript NM_003060.4 (MANE Select); coding-DNA position 1552, C replaced by T.
Protein change: p.Pro518Ser; replaces proline 518 with serine.
Molecular consequence: missense variant.
Genome position (GRCh38, 1-based): chr5:132,393,777, C>T. VCF-style: chr5-132393777-C-T. GRCh37 (hg19) VCF-style: chr5-131729469-C-T.
Other names: p.Pro518Ser; c.1624C>T, p.Pro542Ser (NM_001308122.2); short protein forms P518S, P542S.
Identifiers: ClinVar variation 934190 (VCV000934190.8), dbSNP rs768925240, ClinGen allele CA360809952.
Genomic context (GRCh38, chr5:132,393,777, plus strand): 5'-CTGACCATCCTGACAGCCATCCTCACCTTGTTTCTCCCAGAGAGCTTCGGTACCCCACTC[C>T]CAGACACCATTGACCAGATGCTAAGAGTCAAAGGGTAAGAAGACCTCCTCTGTCAGTGTT-3'
Protein context (NP_003051.1, residues 508-528): FLPESFGTPL[Pro518Ser]DTIDQMLRVK

ClinVar aggregate classification (germline): Uncertain significance. Review status: criteria provided, multiple submitters, no conflicts (2 of 4 stars). 2 submissions from 2 submitters: Uncertain significance (2). Last evaluated 2023-11-27.

Conditions:
Renal carnitine transport defect (CDSP). Also called: Systemic primary carnitine deficiency; Primary carnitine deficiency; Systemic primary carnitine deficiency disease; CARNITINE DEFICIENCY, SYSTEMIC, DUE TO DEFECT IN RENAL REABSORPTION OF CARNITINE; CARNITINE TRANSPORTER, PLASMA-MEMBRANE, DEFICIENCY OF; CARNITINE UPTAKE DEFECT. Identifiers: Orphanet 158, MedGen C0342788, MONDO:0008919, OMIM 212140.

Allele frequency attached by ClinVar (database versions not stated): gnomAD exomes below 0.00001.

Submissions (2):

Labcorp Genetics (formerly Invitae), Labcorp
Classification: Uncertain significance for Renal carnitine transport defect. Last evaluated: 2023-11-27. Review status: criteria provided, single submitter. Criteria: Invitae Variant Classification Sherloc (09022015). Collection method: clinical testing. Allele origin: germline.
Comment: This sequence change replaces proline, which is neutral and non-polar, with serine, which is neutral and polar, at codon 518 of the SLC22A5 protein (p.Pro518Ser). This variant is not present in population databases (gnomAD no frequency). This variant has not been reported in the literature in individuals affected with SLC22A5-related conditions. ClinVar contains an entry for this variant (Variation ID: 934190). Advanced modeling of protein sequence and biophysical properties (such as structural, functional, and spatial information, amino acid conservation, physicochemical variation, residue mobility, and thermodynamic stability) performed at Invitae indicates that this missense variant is expected to disrupt SLC22A5 protein function with a positive predictive value of 95%. In summary, the available evidence is currently insufficient to determine the role of this variant in disease. Therefore, it has been classified as a Variant of Uncertain Significance.

Giacomini Lab, University of California, San Francisco
Classification: Uncertain significance for Renal carnitine transport defect. Last evaluated: 2022-10-03. Review status: criteria provided, single submitter. Criteria: ACMG Guidelines, 2015. Collection method: research, in vitro. Allele origin: germline, not applicable.